The following is an entry in ClinVar:

NM_000069.3(CACNA1S):c.676T>A (p.Cys226Ser)

Gene: CACNA1S (calcium voltage-gated channel subunit alpha1 S; minus strand). Cytogenetic location: 1q32.1.
Variant type: single nucleotide variant.
Coding change: c.676T>A on transcript NM_000069.3 (MANE Select); coding-DNA position 676, T replaced by A.
Protein change: p.Cys226Ser; replaces cysteine 226 with serine.
Molecular consequence: missense variant.
Genome position (GRCh38, 1-based): chr1:201,091,658, A>T on the plus strand (T>A on the coding strand, the complement: CACNA1S is on the minus strand). VCF-style: chr1-201091658-A-T. GRCh37 (hg19) VCF-style: chr1-201060786-A-T.
Other names: short protein forms C226S.
Identifiers: ClinVar variation 3071161 (VCV003071161.1), dbSNP rs2464623038, ClinGen allele CA344139310.

ClinVar aggregate classification (germline): Uncertain significance (1 of 4 stars; one submission).

Conditions:
Malignant hyperthermia, susceptibility to, 5 (MHS5). Also called: CACNA1S-Related Malignant Hyperthermia Susceptibility. Identifiers: Orphanet 423, MedGen C1866077, MONDO:0011163, OMIM 601887.

Submission:

All of Us Research Program, National Institutes of Health
Classification: Uncertain significance for Malignant hyperthermia, susceptibility to, 5. Last evaluated: 2023-05-31. Review status: criteria provided, single submitter. Criteria: ACMG Guidelines, 2015. Collection method: clinical testing. Allele origin: germline. Inheritance: Autosomal dominant inheritance. Observed: 1 variant allele, 1 heterozygote.
Comment: This study involves interpretation of variants in research participants for the purpose of population health screening. Participant phenotype was not available at the time of variant classification. Additional details can be found in publication PMID: 35346344, PMCID: PMC8962531